The following is an entry in ClinVar:

ClinVar aggregate classification (germline): Uncertain significance. Review status: criteria provided, multiple submitters, no conflicts (2 of 4 stars). 2 submissions from 2 submitters: Uncertain significance (2). Last evaluated 2025-10-21.

Conditions:
Immunodeficiency, common variable, 10. Also called: IMMUNODEFICIENCY, COMMON VARIABLE, WITH CENTRAL ADRENAL INSUFFICIENCY; DEFICIT IN ANTERIOR PITUITARY FUNCTION AND VARIABLE IMMUNODEFICIENCY. Identifiers: MedGen C3809991, MONDO:0014260, OMIM 615577.

Submissions (2):

Labcorp Genetics (formerly Invitae), Labcorp
Classification: Uncertain significance for Immunodeficiency, common variable, 10. Last evaluated: 2025-10-21. Review status: criteria provided, single submitter. Criteria: Invitae Variant Classification Sherloc (09022015). Collection method: clinical testing. Allele origin: germline.
Comment: This sequence change replaces threonine, which is neutral and polar, with methionine, which is neutral and non-polar, at codon 540 of the NFKB2 protein (p.Thr540Met). This variant is not present in population databases (gnomAD no frequency). This variant has not been reported in the literature in individuals affected with NFKB2-related conditions. ClinVar contains an entry for this variant (Variation ID: 430410). An algorithm developed to predict the effect of missense changes on protein structure and function (PolyPhen-2) suggests that this variant is likely to be disruptive. In summary, the available evidence is currently insufficient to determine the role of this variant in disease. Therefore, it has been classified as a Variant of Uncertain Significance.

GeneDx
Classification: Uncertain significance. Last evaluated: 2017-05-25. Review status: criteria provided, single submitter. Criteria: GeneDx Variant Classification (06012015). Collection method: clinical testing. Allele origin: germline. Affected: yes.
Comment: The T540M variant in the NFKB2 gene has not been reported previously as a pathogenic variant, nor as a benign variant, to our knowledge. The T540M variant is not observed in large population cohorts (Lek et al., 2016; 1000 Genomes Consortium et al., 2015; Exome Variant Server). The T540M variant is a non-conservative amino acid substitution, which is likely to impact secondary protein structure as these residues differ in polarity, charge, size and/or other properties. This substitution occurs at a position that is not conserved. In silico analysis is inconsistent in its predictions as to whether or not the variant is damaging to the protein structure/function. We interpret T540M as a variant of uncertain significance.

NM_001322934.2(NFKB2):c.1619C>T (p.Thr540Met)

Gene: NFKB2 (nuclear factor kappa B subunit 2; plus strand). Cytogenetic location: 10q24.32.
Variant type: single nucleotide variant.
Coding change: c.1619C>T on transcript NM_001322934.2 (MANE Select); coding-DNA position 1619, C replaced by T.
Protein change: p.Thr540Met; replaces threonine 540 with methionine.
Molecular consequence: missense variant.
Genome position (GRCh38, 1-based): chr10:102,400,312, C>T. VCF-style: chr10-102400312-C-T. GRCh37 (hg19) VCF-style: chr10-104160069-C-T.
Other names: c.1619C>T, p.Thr540Met (LRG_1347t1, NM_001077494.3, NM_001261403.3 and 2 more transcripts); c.1493C>T, p.Thr498Met (NM_001322935.1); short protein forms T540M, T498M.
Identifiers: ClinVar variation 430410 (VCV000430410.9), dbSNP rs1131691948, ClinGen allele CA377901599.